The following is an entry in ClinVar:

ClinVar aggregate classification (germline): Uncertain significance (1 of 4 stars; one submission).

Submission:

Labcorp Genetics (formerly Invitae), Labcorp
Classification: Uncertain significance. Last evaluated: 2022-03-12. Review status: criteria provided, single submitter. Criteria: Invitae Variant Classification Sherloc (09022015). Collection method: clinical testing. Allele origin: germline.
Comment: In summary, the available evidence is currently insufficient to determine the role of this variant in disease. Therefore, it has been classified as a Variant of Uncertain Significance. Advanced modeling of protein sequence and biophysical properties (such as structural, functional, and spatial information, amino acid conservation, physicochemical variation, residue mobility, and thermodynamic stability) performed at Invitae indicates that this missense variant is expected to disrupt LRP2 protein function. This variant has not been reported in the literature in individuals affected with LRP2-related conditions. This variant is not present in population databases (gnomAD no frequency). This sequence change replaces serine, which is neutral and polar, with phenylalanine, which is neutral and non-polar, at codon 1823 of the LRP2 protein (p.Ser1823Phe).

NM_004525.3(LRP2):c.5468C>T (p.Ser1823Phe)

Gene: LRP2 (LDL receptor related protein 2; minus strand). Cytogenetic location: 2q31.1.
Variant type: single nucleotide variant.
Coding change: c.5468C>T on transcript NM_004525.3 (MANE Select); coding-DNA position 5468, C replaced by T.
Protein change: p.Ser1823Phe; replaces serine 1823 with phenylalanine.
Molecular consequence: missense variant.
Genome position (GRCh38, 1-based): chr2:169,225,380, G>A on the plus strand (C>T on the coding strand, the complement: LRP2 is on the minus strand). VCF-style: chr2-169225380-G-A. GRCh37 (hg19) VCF-style: chr2-170081890-G-A.
Other names: short protein forms S1823F.
Identifiers: ClinVar variation 2109609 (VCV002109609.4), dbSNP rs1689164124, ClinGen allele CA349139170.